The following is an entry in ClinVar:

NM_000384.3(APOB):c.10734dup (p.Thr3579fs)

Gene: APOB (apolipoprotein B; minus strand). Cytogenetic location: 2p24.1.
Variant type: Duplication.
Coding change: c.10734dup on transcript NM_000384.3 (MANE Select); coding-DNA position 10734, one base duplicated (C; older notation c.10734dupC).
Protein change: p.Thr3579fs; shifts the reading frame from threonine 3579.
Molecular consequence: frameshift variant.
Genome position (GRCh38, 1-based): chr2:21,006,134, G duplicated on the plus strand (C on the coding strand, the reverse complement: APOB is on the minus strand). VCF-style (leftmost placement, unchanged base first): chr2-21006133-T-TG. GRCh37 (hg19) VCF-style: chr2-21229005-T-TG.
Other names: short protein forms T3579fs.
Identifiers: ClinVar variation 2925317 (VCV002925317.3), dbSNP rs2465358719, ClinGen allele CA2586968753.
Genomic context (GRCh38, chr2:21,006,133, plus strand): 5'-GAGCTGACATTTGCCATGGAGAGAGTTCCAGGGTGGCTTTGCTTGTATGTTCTCCGTTGG[T>TG]GAAAAAGAGGCCCTCTAGCTGTAAGTGGTTTTTCGTACTGTGCTCCCAGAGGGAATATAT-3'

ClinVar aggregate classification (germline): Pathogenic (1 of 4 stars; one submission).

Conditions:
Hypercholesterolemia, autosomal dominant, type B (FHCL2). Also called: APOB-Related Familial Hypercholesterolemia, Autosomal Dominant; Familial Hypercholesterolemia Type B; APOLIPOPROTEIN B-100, FAMILIAL DEFECTIVE; APOLIPOPROTEIN B-100, FAMILIAL LIGAND-DEFECTIVE; HYPERCHOLESTEROLEMIA, FAMILIAL, DUE TO LIGAND-DEFECTIVE APOLIPOPROTEIN B; Hyperlipoproteinemia Type IIb. Identifiers: MedGen C1704417, MONDO:0007751, OMIM 144010.
Familial hypobetalipoproteinemia 1. Also called: Hypobetalipoproteinemia, normotriglyceridemic; Acanthocytosis with hypobetalipoproteinemia; APOB-Related Familial Hypobetalipoproteinemia. Identifiers: MedGen C4551990, MONDO:0014252, OMIM 615558.

Submission:

Labcorp Genetics (formerly Invitae), Labcorp
Classification: Pathogenic for Familial hypobetalipoproteinemia 1; Hypercholesterolemia, autosomal dominant, type B. Last evaluated: 2025-05-29. Review status: criteria provided, single submitter. Criteria: Invitae Variant Classification Sherloc (09022015). Collection method: clinical testing. Allele origin: germline.
Comment: This sequence change creates a premature translational stop signal (p.Thr3579Hisfs*34) in the APOB gene. It is expected to result in an absent or disrupted protein product. Loss-of-function variants in APOB are known to be pathogenic (PMID: 20032471). This variant is not present in population databases (gnomAD no frequency). This premature translational stop signal has been observed in individual(s) with hypobetalipoproteinemia (PMID: 25632026). ClinVar contains an entry for this variant (Variation ID: 2925317). For these reasons, this variant has been classified as Pathogenic.

Literature cited by the submitters: PubMed 20032471; PubMed 25632026.